The following is an entry in ClinVar:

ClinVar aggregate classification (germline): Uncertain significance. Review status: criteria provided, multiple submitters, no conflicts (2 of 4 stars). 2 submissions from 2 submitters: Uncertain significance (2). Last evaluated 2025-04-13.

Conditions:
Inborn genetic diseases. Identifiers: MedGen C0950123, MeSH D030342.
Joubert syndrome 8 (JBTS8). Identifiers: Orphanet 475, MedGen C2676771, MONDO:0012855, OMIM 612291.

Allele frequency attached by ClinVar (database versions not stated): gnomAD exomes below 0.00001; TOPMed 0.00001.
gnomAD v4.1: 5 of 1,613,798 alleles (0.00031%); highest among the groups gnomAD compares: South Asian, 0.0055%; no homozygotes.

Submissions (2):

Ambry Genetics
Classification: Uncertain significance for Inborn genetic diseases. Last evaluated: 2025-04-13. Review status: criteria provided, single submitter. Criteria: Ambry Variant Classification Scheme 2023. Collection method: clinical testing. Allele origin: germline.

Labcorp Genetics (formerly Invitae), Labcorp
Classification: Uncertain significance for Joubert syndrome 8. Last evaluated: 2022-06-03. Review status: criteria provided, single submitter. Criteria: Invitae Variant Classification Sherloc (09022015). Collection method: clinical testing. Allele origin: germline.
Comment: In summary, the available evidence is currently insufficient to determine the role of this variant in disease. Therefore, it has been classified as a Variant of Uncertain Significance. Algorithms developed to predict the effect of missense changes on protein structure and function output the following: SIFT: "Tolerated"; PolyPhen-2: "Benign"; Align-GVGD: "Class C0". The serine amino acid residue is found in multiple mammalian species, which suggests that this missense change does not adversely affect protein function. ClinVar contains an entry for this variant (Variation ID: 966816). This variant has not been reported in the literature in individuals affected with ARL13B-related conditions. This variant is not present in population databases (gnomAD no frequency). This sequence change replaces threonine, which is neutral and polar, with serine, which is neutral and polar, at codon 300 of the ARL13B protein (p.Thr300Ser).

NM_001174150.2(ARL13B):c.898A>T (p.Thr300Ser)

Gene: ARL13B (ARF like GTPase 13B; plus strand). Cytogenetic location: 3q11.2.
Variant type: single nucleotide variant.
Coding change: c.898A>T on transcript NM_001174150.2 (MANE Select); coding-DNA position 898, A replaced by T.
Protein change: p.Thr300Ser; replaces threonine 300 with serine.
Molecular consequence: missense variant. On other transcripts: non-coding transcript variant (2).
Genome position (GRCh38, 1-based): chr3:94,043,114, A>T. VCF-style: chr3-94043114-A-T. GRCh37 (hg19) VCF-style: chr3-93761958-A-T.
Other names: c.589A>T, p.Thr197Ser (NM_001174151.2); c.853A>T, p.Thr285Ser (NM_001321328.2); c.577A>T, p.Thr193Ser (NM_144996.4); c.898A>T, p.Thr300Ser (NM_182896.3); short protein forms T300S, T197S, T193S, T285S.
Identifiers: ClinVar variation 966816 (VCV000966816.6), dbSNP rs2076891815, ClinGen allele CA353679037.